The following is an entry in ClinVar:

ClinVar aggregate classification (germline): Uncertain significance. Review status: criteria provided, multiple submitters, no conflicts (2 of 4 stars). 2 submissions from 2 submitters: Uncertain significance (2). Last evaluated 2024-02-22.

Conditions:
Ehlers-Danlos syndrome, type 4 (EDSVASC). Also called: Ehlers-Danlos syndrome vascular type; Ehlers Danlos syndrome, ecchymotic type; Ehlers Danlos syndrome, arterial type; Ehlers Danlos syndrome, Sack-Barabas type; Ehlers-Danlos Syndrome Type IV. Identifiers: Orphanet 286, MedGen C0268338, MONDO:0017314, OMIM 130050.

Allele frequency attached by ClinVar (database versions not stated): gnomAD exomes below 0.00001 and 0.00001.
gnomAD v4.1: 2 of 1,560,980 alleles (0.00013%); highest among the groups gnomAD compares: Middle Eastern, 0.017%; no homozygotes.

Submissions (2):

All of Us Research Program, National Institutes of Health
Classification: Uncertain significance for Ehlers-Danlos syndrome, type 4. Last evaluated: 2024-02-22. Review status: criteria provided, single submitter. Criteria: ACMG Guidelines, 2015. Collection method: clinical testing. Allele origin: germline. Inheritance: Autosomal dominant inheritance. Observed: 1 variant allele, 1 heterozygote.
Comment: This missense variant replaces glycine with aspartic acid at codon 532 of the COL3A1 protein. Computational prediction tool suggests that this variant may have a neutral impact on protein structure and function. To our knowledge, functional studies have not been reported for this variant. This variant has not been reported in individuals affected with COL3A1-related disorders in the literature. This variant has been identified in 1/167050 chromosomes in the general population by the Genome Aggregation Database (gnomAD). The available evidence is insufficient to determine the role of this variant in disease conclusively. Therefore, this variant is classified as a Variant of Uncertain Significance.

This study involves interpretation of variants in research participants for the purpose of population health screening. Participant phenotype was not available at the time of variant classification. Additional details can be found in publication PMID: 35346344, PMCID: PMC8962531

GeneDx
Classification: Uncertain significance. Last evaluated: 2020-01-30. Review status: criteria provided, single submitter. Criteria: GeneDx Variant Classification Process June 2021. Collection method: clinical testing. Allele origin: germline. Affected: yes.
Comment: Has not been previously published as pathogenic or benign to our knowledge; Not observed at a significant frequency in large population cohorts (Lek et al., 2016); In silico analysis, which includes protein predictors and evolutionary conservation, supports that this variant does not alter protein structure/function; Occurs in the triple helical domain at the X position in the canonical Gly-X-Y repeat; although this variant may have an effect on normal protein folding and function, missense substitution at the X position is not a common mechanism of disease (Stenson et al., 2014)

NM_000090.4(COL3A1):c.1595G>A (p.Gly532Asp)

Gene: COL3A1 (collagen type III alpha 1 chain; plus strand). Cytogenetic location: 2q32.2.
Variant type: single nucleotide variant.
Coding change: c.1595G>A on transcript NM_000090.4 (MANE Select); coding-DNA position 1595, G replaced by A.
Protein change: p.Gly532Asp; replaces glycine 532 with aspartic acid.
Molecular consequence: missense variant.
Genome position (GRCh38, 1-based): chr2:188,995,777, G>A. VCF-style: chr2-188995777-G-A. GRCh37 (hg19) VCF-style: chr2-189860503-G-A.
Other names: short protein forms G532D.
Identifiers: ClinVar variation 1192153 (VCV001192153.3), dbSNP rs1305363057, ClinGen allele CA349852281.
Genomic context (GRCh38, chr2:188,995,777, plus strand): 5'-CAGGCCCTGCAGGGCCCAGAGGAGCTGCTGGAGAACCTGGCAGAGATGGCGTCCCTGGAG[G>A]TCCAGGAATGAGGGTACAGAGAAACATTTGTTTGAATGACACTTTAATTTAGACAGAAGA-3'
Protein context (NP_000081.2, residues 522-542): GEPGRDGVPG[Gly532Asp]PGMRGMPGSP